The following is an entry in ClinVar:

NM_001122681.2(SH3BP2):c.1407-11T>A

Gene: SH3BP2 (SH3 domain binding protein 2; plus strand). Cytogenetic location: 4p16.3.
Variant type: single nucleotide variant.
Coding change: c.1407-11T>A on transcript NM_001122681.2 (MANE Select); 11 bases into the intron before coding-DNA position 1407, T replaced by A.
Molecular consequence: intron variant.
Genome position (GRCh38, 1-based): chr4:2,832,320, T>A. VCF-style: chr4-2832320-T-A. GRCh37 (hg19) VCF-style: chr4-2834047-T-A.
Other names: c.1407-11T>A (LRG_1334t1, NM_003023.4); c.1491-11T>A (LRG_1334t2, NM_001145855.2); c.1578-11T>A (NM_001145856.2).
Identifiers: ClinVar variation 348591 (VCV000348591.14), dbSNP rs45525837, ClinGen allele CA2819538.
Genomic context (GRCh38, chr4:2,832,320, plus strand): 5'-GCGGGGCGGGAAGGTCCGTGTGAAAGCTGCCCGAGGAGGACTCACCCGCTAATATGACTG[T>A]CTTATTTTAGGTTGTTCAAGGCTACAAGCCCCCGGGGAGAGCCCCAGGATGGACTCTACT-3'

ClinVar aggregate classification (germline): Benign. Review status: criteria provided, multiple submitters, no conflicts (2 of 4 stars). 3 submissions from 3 submitters: Benign (3). Last evaluated 2026-02-02.

Conditions:
Fibrous dysplasia of jaw (CRBM). Also called: Cherubism. Identifiers: Orphanet 184, MedGen C0008029, MONDO:0007315, OMIM 118400.

Allele frequency attached by ClinVar (database versions not stated): 1000 Genomes Project 0.00319; 1000 Genomes Project 30x 0.00359; gnomAD exomes 0.00492 and 0.00755; ExAC 0.00496; gnomAD 0.00512 and 0.00513; TOPMed 0.00519; ESP Exome Variant Server 0.00623.
gnomAD v4.1: 11,697 of 1,610,428 alleles (0.73%); highest among the groups gnomAD compares: Non-Finnish European, 0.87%; 57 homozygotes.

Submissions (25):

Labcorp Genetics (formerly Invitae), Labcorp
Classification: Benign for Fibrous dysplasia of jaw. Last evaluated: 2026-02-02. Review status: criteria provided, single submitter. Criteria: Invitae Variant Classification Sherloc (09022015). Collection method: clinical testing. Allele origin: germline.

Women's Health and Genetics/Laboratory Corporation of America, LabCorp
Classification: Benign. Last evaluated: 2025-07-28. Review status: criteria provided, single submitter. Criteria: LabCorp Variant Classification Summary - May 2015. Collection method: clinical testing. Allele origin: germline.

Illumina Laboratory Services, Illumina
Classification: Benign for Fibrous dysplasia of jaw. Last evaluated: 2018-01-12. Review status: criteria provided, single submitter. Criteria: ICSL Variant Classification Criteria 13 December 2019. Collection method: clinical testing. Allele origin: germline.
Comment: This variant was observed in the ICSL laboratory as part of a predisposition screen in an ostensibly healthy population. It had not been previously curated by ICSL or reported in the Human Gene Mutation Database (HGMD: prior to June 1st, 2018), and was therefore a candidate for classification through an automated scoring system. Utilizing variant allele frequency, disease prevalence and penetrance estimates, and inheritance mode, an automated score was calculated to assess if this variant is too frequent to cause the disease. Based on the score and internal cut-off values, a variant classified as benign is not then subjected to further curation. The score for this variant resulted in a classification of benign for this disease.

Dr. Peter K. Rogan Lab, Western University
No classification provided (evidence only). Condition: Acute myeloid leukemia. Review status: no classification provided. Collection method: in vitro. Allele origin: not applicable. Functional consequence: retained intron. Not counted in ClinVar's aggregate classification.

Dr. Peter K. Rogan Lab, Western University
No classification provided (evidence only). Condition: Acute myeloid leukemia. Review status: no classification provided. Collection method: in vitro. Allele origin: not applicable. Functional consequence: retained intron. Not counted in ClinVar's aggregate classification.

Dr. Peter K. Rogan Lab, Western University
No classification provided (evidence only). Condition: Uterine corpus endometrial carcinoma. Review status: no classification provided. Collection method: in vitro. Allele origin: not applicable. Functional consequence: retained intron. Not counted in ClinVar's aggregate classification.

Dr. Peter K. Rogan Lab, Western University
No classification provided (evidence only). Condition: Uterine corpus endometrial carcinoma. Review status: no classification provided. Collection method: in vitro. Allele origin: not applicable. Functional consequence: retained intron. Not counted in ClinVar's aggregate classification.

Dr. Peter K. Rogan Lab, Western University
No classification provided (evidence only). Condition: Uterine corpus endometrial carcinoma. Review status: no classification provided. Collection method: in vitro. Allele origin: not applicable. Functional consequence: retained intron. Not counted in ClinVar's aggregate classification.

Dr. Peter K. Rogan Lab, Western University
No classification provided (evidence only). Condition: Uterine corpus endometrial carcinoma. Review status: no classification provided. Collection method: in vitro. Allele origin: not applicable. Functional consequence: retained intron. Not counted in ClinVar's aggregate classification.

Dr. Peter K. Rogan Lab, Western University
No classification provided (evidence only). Condition: Cervical cancer. Review status: no classification provided. Collection method: in vitro. Allele origin: not applicable. Functional consequence: retained intron. Not counted in ClinVar's aggregate classification.

Dr. Peter K. Rogan Lab, Western University
No classification provided (evidence only). Condition: Cervical cancer. Review status: no classification provided. Collection method: in vitro. Allele origin: not applicable. Functional consequence: retained intron. Not counted in ClinVar's aggregate classification.

Dr. Peter K. Rogan Lab, Western University
No classification provided (evidence only). Condition: Cervical cancer. Review status: no classification provided. Collection method: in vitro. Allele origin: not applicable. Functional consequence: retained intron. Not counted in ClinVar's aggregate classification.

Dr. Peter K. Rogan Lab, Western University
No classification provided (evidence only). Condition: Cervical cancer. Review status: no classification provided. Collection method: in vitro. Allele origin: not applicable. Functional consequence: retained intron. Not counted in ClinVar's aggregate classification.

Dr. Peter K. Rogan Lab, Western University
No classification provided (evidence only). Condition: Cervical cancer. Review status: no classification provided. Collection method: in vitro. Allele origin: not applicable. Functional consequence: retained intron. Not counted in ClinVar's aggregate classification.

Dr. Peter K. Rogan Lab, Western University
No classification provided (evidence only). Condition: Ovarian serous cystadenocarcinoma. Review status: no classification provided. Collection method: in vitro. Allele origin: not applicable. Functional consequence: retained intron. Not counted in ClinVar's aggregate classification.

Dr. Peter K. Rogan Lab, Western University
No classification provided (evidence only). Condition: Ovarian serous cystadenocarcinoma. Review status: no classification provided. Collection method: in vitro. Allele origin: not applicable. Functional consequence: retained intron. Not counted in ClinVar's aggregate classification.

Dr. Peter K. Rogan Lab, Western University
No classification provided (evidence only). Condition: Uveal melanoma. Review status: no classification provided. Collection method: in vitro. Allele origin: not applicable. Functional consequence: retained intron. Not counted in ClinVar's aggregate classification.

Dr. Peter K. Rogan Lab, Western University
No classification provided (evidence only). Condition: Malignant tumor of esophagus. Review status: no classification provided. Collection method: in vitro. Allele origin: not applicable. Functional consequence: retained intron. Not counted in ClinVar's aggregate classification.

Dr. Peter K. Rogan Lab, Western University
No classification provided (evidence only). Condition: Chronic lymphocytic leukemia/small lymphocytic lymphoma. Review status: no classification provided. Collection method: in vitro. Allele origin: not applicable. Functional consequence: retained intron. Not counted in ClinVar's aggregate classification.

Dr. Peter K. Rogan Lab, Western University
No classification provided (evidence only). Condition: Familial pancreatic carcinoma. Review status: no classification provided. Collection method: in vitro. Allele origin: not applicable. Functional consequence: retained intron. Not counted in ClinVar's aggregate classification.

Dr. Peter K. Rogan Lab, Western University
No classification provided (evidence only). Condition: Lymphoma. Review status: no classification provided. Collection method: in vitro. Allele origin: not applicable. Functional consequence: retained intron. Not counted in ClinVar's aggregate classification.

Dr. Peter K. Rogan Lab, Western University
No classification provided (evidence only). Condition: Lymphoma. Review status: no classification provided. Collection method: in vitro. Allele origin: not applicable. Functional consequence: retained intron. Not counted in ClinVar's aggregate classification.

Dr. Peter K. Rogan Lab, Western University
No classification provided (evidence only). Condition: Clear cell carcinoma of kidney. Review status: no classification provided. Collection method: in vitro. Allele origin: not applicable. Functional consequence: retained intron. Not counted in ClinVar's aggregate classification.

Dr. Peter K. Rogan Lab, Western University
No classification provided (evidence only). Condition: Lung cancer. Review status: no classification provided. Collection method: in vitro. Allele origin: not applicable. Functional consequence: retained intron. Not counted in ClinVar's aggregate classification.

Dr. Peter K. Rogan Lab, Western University
No classification provided (evidence only). Condition: Acute myeloid leukemia. Review status: no classification provided. Collection method: in vitro. Allele origin: not applicable. Functional consequence: retained intron. Not counted in ClinVar's aggregate classification.